The following is an entry in ClinVar:

NM_005676.5(RBM10):c.1575+5G>A

Gene: RBM10 (RNA binding motif protein 10; plus strand). Cytogenetic location: Xp11.3.
Variant type: single nucleotide variant.
Coding change: c.1575+5G>A on transcript NM_005676.5 (MANE Select); 5 bases into the intron after coding-DNA position 1575, G replaced by A.
Molecular consequence: intron variant.
Genome position (GRCh38, 1-based): chrX:47,181,651, G>A. VCF-style: chrX-47181651-G-A. GRCh37 (hg19) VCF-style: chrX-47041050-G-A.
Other names: c.1770+5G>A (NM_001204468.2); c.1572+5G>A (NM_001204467.2); c.1344+5G>A (NM_001204466.2); c.1341+5G>A (NM_152856.3).
Identifiers: ClinVar variation 3600570 (VCV003600570.1).

ClinVar aggregate classification (germline): Uncertain significance (1 of 4 stars; one submission).

Submission:

GeneDx
Classification: Uncertain significance. Last evaluated: 2024-07-25. Review status: criteria provided, single submitter. Criteria: GeneDx Variant Classification Process June 2021. Collection method: clinical testing. Allele origin: germline. Affected: yes.
Comment: Not observed at significant frequency in large population cohorts (gnomAD); In silico analysis supports a deleterious effect on splicing; Has not been previously published as pathogenic or benign to our knowledge